The following is an entry in ClinVar:

NM_004999.4(MYO6):c.3367A>G (p.Asn1123Asp)

Gene: MYO6 (myosin VI; plus strand). Cytogenetic location: 6q14.1.
Variant type: single nucleotide variant.
Coding change: c.3367A>G on transcript NM_004999.4 (MANE Select); coding-DNA position 3367, A replaced by G.
Protein change: p.Asn1123Asp; replaces asparagine 1123 with aspartic acid.
Molecular consequence: missense variant. On other transcripts: non-coding transcript variant (1).
Genome position (GRCh38, 1-based): chr6:75,908,582, A>G. VCF-style: chr6-75908582-A-G. GRCh37 (hg19) VCF-style: chr6-76618299-A-G.
Other names: c.3298A>G, p.Asn1100Asp (NM_001300899.2, NM_001368136.1); c.3355A>G, p.Asn1119Asp (NM_001368137.1); c.3283A>G, p.Asn1095Asp (NM_001368138.1); c.3394A>G, p.Asn1132Asp (NM_001368865.1, NM_001368866.1); short protein forms N1123D, N1100D, N1132D, N1119D, N1095D.
Identifiers: ClinVar variation 228994 (VCV000228994.54), dbSNP rs189411232, ClinGen allele CA3897689.
Genomic context (GRCh38, chr6:75,908,582, plus strand): 5'-GAAGAATTTCATAGGAGACTAAAAGTGTATCATGCTTGGAAATCTAAGAACAAGAAGAGA[A>G]ATACTGAAACAGAGCAACGTGCTCCAAAGTCTGTTACTGATTATGGTAAAGAGAAATCTG-3'
Protein context (NP_004990.3, residues 1113-1133): HAWKSKNKKR[Asn1123Asp]TETEQRAPKS

ClinVar aggregate classification (germline): Uncertain significance. Review status: criteria provided, multiple submitters, no conflicts (2 of 4 stars). 7 submissions from 7 submitters: Uncertain significance (6). 1 of the submissions does not count toward it. Last evaluated 2025-09-10.

Conditions:
MYO6-related disorder. Also called: MYO6-related condition; MYO6-related disorders.
Autosomal recessive nonsyndromic hearing loss 37. Identifiers: Orphanet 90636, MedGen C1843028, MONDO:0011912, OMIM 607821.
Autosomal dominant nonsyndromic hearing loss 22. Also called: DFNA 22; Autosomal dominant nonsyndromic deafness 22. Identifiers: Orphanet 228012, MedGen C2931767, MONDO:0011660, OMIM 606346.

Allele frequency attached by ClinVar (database versions not stated): gnomAD exomes 0.00003 and 0.00005; gnomAD 0.00005 and 0.00006; TOPMed 0.00005; ESP Exome Variant Server 0.00008; ExAC 0.00010; 1000 Genomes Project 30x 0.00016; 1000 Genomes Project 0.00020.
gnomAD v4.1: 61 of 1,613,666 alleles (0.0038%); highest among the groups gnomAD compares: Middle Eastern, 0.066%; no homozygotes.

Submissions (7):

GeneDx
Classification: Uncertain significance. Last evaluated: 2025-09-10. Review status: criteria provided, single submitter. Criteria: GeneDx Variant Classification Process June 2021. Collection method: clinical testing. Allele origin: germline.
Comment: In silico analysis suggests that this missense variant does not alter protein structure/function; Has not been previously published as pathogenic or benign to our knowledge

Labcorp Genetics (formerly Invitae), Labcorp
Classification: Uncertain significance. Last evaluated: 2025-08-11. Review status: criteria provided, single submitter. Criteria: Invitae Variant Classification Sherloc (09022015). Collection method: clinical testing. Allele origin: germline.
Comment: This sequence change replaces asparagine, which is neutral and polar, with aspartic acid, which is acidic and polar, at codon 1123 of the MYO6 protein (p.Asn1123Asp). This variant is present in population databases (rs189411232, gnomAD 0.01%). This variant has not been reported in the literature in individuals affected with MYO6-related conditions. ClinVar contains an entry for this variant (Variation ID: 228994). Invitae Evidence Modeling of protein sequence and biophysical properties (such as structural, functional, and spatial information, amino acid conservation, physicochemical variation, residue mobility, and thermodynamic stability) indicates that this missense variant is not expected to disrupt MYO6 protein function with a negative predictive value of 80%. In summary, the available evidence is currently insufficient to determine the role of this variant in disease. Therefore, it has been classified as a Variant of Uncertain Significance.

Department of Pathology and Laboratory Medicine, Sinai Health System
Classification: Uncertain significance for Autosomal dominant nonsyndromic hearing loss 22; Autosomal recessive nonsyndromic hearing loss 37. Last evaluated: 2021-08-08. Review status: criteria provided, single submitter. Criteria: ACMG Guidelines, 2015. Collection method: research. Allele origin: germline.

CeGaT Center for Human Genetics Tuebingen
Classification: Uncertain significance. Last evaluated: 2020-01-01. Review status: criteria provided, single submitter. Criteria: CeGaT Center For Human Genetics Tuebingen Variant Classification Criteria Version 2. Collection method: clinical testing. Allele origin: germline. Affected: yes. Observed: 2 variant alleles.

Laboratory for Molecular Medicine, Mass General Brigham Personalized Medicine
Classification: Uncertain significance. Last evaluated: 2015-08-26. Review status: criteria provided, single submitter. Criteria: LMM Criteria. Collection method: clinical testing. Allele origin: germline. Observed: 1 variant allele.
Comment: The p.Asn1123Asp variant in MYO6 has not been previously reported in individuals with hearing loss, but has been identified in 10/66684 of European chromosomes by the Exome Aggregation Consortium (ExAC; rs189 411232). Computational prediction tools and conservation analysis do not provide strong support for or against an impact to the protein. In summary, the clinica l significance of the p.Asn1123Asp variant is uncertain.

Breakthrough Genomics
Classification: Uncertain significance. Review status: criteria provided, single submitter. Criteria: ACMG Guidelines, 2015. Collection method: not provided. Allele origin: germline. Inheritance: Autosomal recessive inheritance. Affected: yes.

PreventionGenetics, part of Exact Sciences
Classification: Uncertain significance for MYO6-related condition. Last evaluated: 2024-08-02. Review status: no assertion criteria provided. Collection method: clinical testing. Allele origin: germline. Not counted in ClinVar's aggregate classification.
Comment: The MYO6 c.3367A>G variant is predicted to result in the amino acid substitution p.Asn1123Asp. To our knowledge, this variant has not been reported in the literature. This variant is reported in 0.0070% of alleles in individuals of European (Non-Finnish) descent in gnomAD. At this time, the clinical significance of this variant is uncertain due to the absence of conclusive functional and genetic evidence.